The following is an entry in ClinVar:

NM_000528.4(MAN2B1):c.2887_2902del (p.Glu963fs)

Gene: MAN2B1 (mannosidase alpha class 2B member 1; minus strand). Cytogenetic location: 19p13.13.
Variant type: Deletion.
Coding change: c.2887_2902del on transcript NM_000528.4 (MANE Select); coding-DNA positions 2887 to 2902, 16 bases deleted (GAGGCAGCCTCCAGGC).
Protein change: p.Glu963fs; shifts the reading frame from glutamic acid 963.
Molecular consequence: frameshift variant.
Genome position (GRCh38, 1-based): chr19:12,647,254-12,647,269, GCCTGGAGGCTGCCTC deleted on the plus strand (GAGGCAGCCTCCAGGC on the coding strand, the reverse complement: MAN2B1 is on the minus strand); deleting any 16 consecutive bases within chr19:12,647,254-12,647,271 gives the same sequence; the c. name uses the placement nearest the transcript's 3' end. VCF-style (leftmost placement, unchanged base first): chr19-12647253-AGCCTGGAGGCTGCCTC-A. GRCh37 (hg19) VCF-style: chr19-12758067-AGCCTGGAGGCTGCCTC-A.
Other names: c.2884_2899del, p.Glu962fs (NM_001173498.2); short protein forms E962fs, E963fs.
Identifiers: ClinVar variation 946816 (VCV000946816.9), dbSNP rs2023710111, ClinGen allele CA1139666292.
Genomic context (GRCh38, chr19:12,647,253, plus strand): 5'-TAAGACTCCACCCCTTCCCTACCCCTGACCAGGGCCCCACCTGTGTTTGTTGTCCACTTG[AGCCTGGAGGCTGCCTC>A]GCGGAGCTGGTTGGCCACCAGCGTGGTCTCCTGCAGGCGGGTGATGGTGAAGGTGGAGAA-3'

ClinVar aggregate classification (germline): Likely pathogenic (1 of 4 stars; one submission).

Conditions:
Deficiency of alpha-mannosidase (MANSA). Also called: Mannosidosis, alpha-, types I and II; LYSOSOMAL ALPHA-D-MANNOSIDASE DEFICIENCY; Alpha-Mannosidosis. Identifiers: Orphanet 61, MedGen C0024748, MONDO:0009561, OMIM 248500.

Submission:

Labcorp Genetics (formerly Invitae), Labcorp
Classification: Likely pathogenic for Deficiency of alpha-mannosidase. Last evaluated: 2019-06-29. Review status: criteria provided, single submitter. Criteria: Invitae Variant Classification Sherloc (09022015). Collection method: clinical testing. Allele origin: germline.
Comment: This variant has not been reported in the literature in individuals with MAN2B1-related conditions. This variant is not present in population databases (ExAC no frequency). This sequence change results in a frameshift in the MAN2B1 gene (p.Glu963Serfs*65). While this is not anticipated to result in nonsense mediated decay, it is expected to disrupt the last 49 amino acids of the MAN2B1 protein and extend the protein by an additional 16 amino acids. In summary, the currently available evidence indicates that the variant is pathogenic, but additional data are needed to prove that conclusively. Therefore, this variant has been classified as Likely Pathogenic. This variant results in an extension of the MAN2B1 protein. Other variant(s) that result in a similarly extended protein product (p.Glu963Argfs*70, Pro982Thrfs*50) have been observed in individuals with MAN2B1-related conditions (PMID: 22161967, 26048034). This suggests that these extensions may be clinically significant.

Literature cited by the submitters: PubMed 22161967; PubMed 26048034.